The following is an entry in ClinVar:

NM_000179.3(MSH6):c.3867_3870dup (p.Lys1291delinsHisTer)

Gene: MSH6 (mutS homolog 6; plus strand). Cytogenetic location: 2p16.3.
Variant type: Duplication.
Coding change: c.3867_3870dup on transcript NM_000179.3 (MANE Select); coding-DNA positions 3867 to 3870, 4 bases duplicated (CATT; older notation c.3867_3870dupCATT).
Protein change: p.Lys1291delinsHisTer.
Molecular consequence: nonsense. On other transcripts: frameshift variant (37).
Genome position (GRCh38, 1-based): chr2:47,806,517-47,806,520, CATT duplicated; duplicating any 4 consecutive bases within chr2:47,806,514-47,806,520 gives the same sequence; the c. name uses the placement nearest the transcript's 3' end. VCF-style (leftmost placement, unchanged base first): chr2-47806513-A-AATTC. GRCh37 (hg19) VCF-style: chr2-48033652-A-AATTC.
Other names: c.3477_3480dup, p.Lys1161delinsHisTer (NM_001281492.2); c.2961_2964dup, p.Lys989delinsHisTer (NM_001281493.2, NM_001281494.2); c.3963_3966dup, p.Lys1323Hisfs (NM_001406795.1); c.3867_3870dup, p.Lys1291Hisfs (NM_001406796.1, NM_001406808.1, NM_001406809.1); c.3570_3573dup, p.Lys1192Hisfs (NM_001406797.1, NM_001406801.1, NM_001406805.1 and 10 more transcripts); c.3693_3696dup, p.Lys1233Hisfs (NM_001406798.1); c.3342_3345dup, p.Lys1116Hisfs (NM_001406799.1, NM_001406806.1, NM_001406807.1); c.3854_3857dup, p.Leu1286Phefs (NM_001406800.1); and 9 more.
Identifiers: ClinVar variation 2441531 (VCV002441531.8), dbSNP rs2530863027, ClinGen allele CA2580067414.
Genomic context (GRCh38, chr2:47,806,513, plus strand): 5'-CATGCATGGTAGAAAATGAATGTGAAGACCCCAGCCAGGAGACTATTACGTTCCTCTATA[A>AATTC]ATTCATTAAGGGAGCTTGTCCTAAAAGCTATGGCTTTAATGCAGCAAGGCTTGCTAATCT-3'

ClinVar aggregate classification (germline): Pathogenic/Likely pathogenic. Review status: criteria provided, multiple submitters, no conflicts (2 of 4 stars). 4 submissions from 4 submitters: Pathogenic (3); Likely pathogenic (1). Last evaluated 2025-08-07.

Conditions:
Hereditary cancer-predisposing syndrome. Also called: Neoplastic Syndromes, Hereditary; Hereditary Cancer Syndrome; Tumor predisposition; Hereditary neoplastic syndrome. Identifiers: Orphanet 140162, MedGen C0027672, MeSH D009386, MONDO:0015356.
Hereditary nonpolyposis colorectal neoplasms. Identifiers: MedGen C0009405, MeSH D003123.
Lynch syndrome 5 (LYNCH5). Also called: Colorectal cancer, hereditary nonpolyposis, type 5; Hereditary non-polyposis colorectal cancer, type 5. Identifiers: Orphanet 144, MedGen C1833477, MONDO:0013710, OMIM 614350. Disease mechanism: loss of function.

Submissions (4):

Molecular Diagnostics Laboratory, Catalan Institute of Oncology
Classification: Pathogenic for Hereditary cancer-predisposing syndrome. Last evaluated: 2025-08-07. Review status: criteria provided, single submitter. Criteria: ClinGen CRC ACMG Specifications MSH6 V1.0.0. Collection method: clinical testing. Allele origin: germline.
Comment: PVS1, PM2_Supporting, PP4_Moderate c.3867_3870dup, located in exon 9 of the MSH6 gene, consists in the duplication of 4 nucleotides, causing a translational frameshift with a predicted alternate stop codon, p.(Lys1291Hisfs*2). This alteration is expected to result in loss of function by premature protein truncation before codon 1341 (PVS1). No effect is predicted on splicing by SpliceAI. It is not present in the population database gnomAD v2.1.1, non cancer dataset (PM2_Supporting). No other clinical cases are reported in the literature. To our knowledge, no well-established functional studies have been reported for this variant. In addition, it is reported in the ClinVar database (1x likely pathogenic,21x pathogenic), but it is not reported in InSiGHT and LOVD databases. Based on the currently available evidence, c.3867_3870dup is classified as a pathogenic variant according to ClinGen-MSH6 Guidelines v.1.0.0.

Labcorp Genetics (formerly Invitae), Labcorp
Classification: Pathogenic for Hereditary nonpolyposis colorectal neoplasms. Last evaluated: 2025-03-26. Review status: criteria provided, single submitter. Criteria: Invitae Variant Classification Sherloc (09022015). Collection method: clinical testing. Allele origin: germline.
Comment: This sequence change creates a premature translational stop signal (p.Lys1291Hisfs*2) in the MSH6 gene. It is expected to result in an absent or disrupted protein product. Loss-of-function variants in MSH6 are known to be pathogenic (PMID: 18269114, 24362816). This variant is not present in population databases (gnomAD no frequency). This variant has not been reported in the literature in individuals affected with MSH6-related conditions. ClinVar contains an entry for this variant (Variation ID: 2441531). RNA analysis performed to evaluate the impact of this premature translational stop signal on mRNA splicing indicates it does not significantly alter splicing (internal data). For these reasons, this variant has been classified as Pathogenic.

Myriad Genetics, Inc.
Classification: Pathogenic for Lynch syndrome 5. Last evaluated: 2023-08-28. Review status: criteria provided, single submitter. Criteria: Myriad Autosomal Dominant, Autosomal Recessive and X-Linked Classification Criteria (2023). Collection method: clinical testing. Allele origin: unknown.
Comment: This variant is considered pathogenic. This variant creates a frameshift predicted to result in premature protein truncation.

Revvity Omics, Revvity
Classification: Likely pathogenic. Last evaluated: 2022-06-25. Review status: criteria provided, single submitter. Criteria: ACMG Guidelines, 2015. Collection method: clinical testing. Allele origin: germline.

Literature cited by the submitters: PubMed 18269114 (cited by Labcorp Genetics (formerly Invitae), Labcorp); PubMed 24362816 (cited by Labcorp Genetics (formerly Invitae), Labcorp).